The following is an entry in ClinVar:

ClinVar aggregate classification (germline): Likely benign (1 of 4 stars; one submission).

Allele frequency attached by ClinVar (database versions not stated): gnomAD 0.00005; gnomAD exomes 0.00006; TOPMed 0.00008; ExAC 0.00013.
gnomAD v4.1: 91 of 1,531,782 alleles (0.0059%); highest among the groups gnomAD compares: Middle Eastern, 0.085%; no homozygotes.

Submission:

CeGaT Center for Human Genetics Tuebingen
Classification: Likely benign. Last evaluated: 2022-04-01. Review status: criteria provided, single submitter. Criteria: CeGaT Center For Human Genetics Tuebingen Variant Classification Criteria Version 2. Collection method: clinical testing. Allele origin: germline. Affected: yes. Observed: 1 variant allele.
Comment: ADAM32: BP4, BP7

NM_145004.7(ADAM32):c.186G>A (p.Val62=)

Gene: ADAM32 (ADAM metallopeptidase domain 32; plus strand). Cytogenetic location: 8p11.22.
Variant type: single nucleotide variant.
Coding change: c.186G>A on transcript NM_145004.7 (MANE Select); coding-DNA position 186, G replaced by A.
Protein change: p.Val62=; no amino-acid change (valine 62 retained).
Molecular consequence: synonymous variant.
Genome position (GRCh38, 1-based): chr8:39,136,704, G>A. VCF-style: chr8-39136704-G-A. GRCh37 (hg19) VCF-style: chr8-38994223-G-A.
Other names: c.207G>A, p.Val69= (NM_001313994.1).
Identifiers: ClinVar variation 2658563 (VCV002658563.24), dbSNP rs201047294, ClinGen allele CA4722089.